The following is an entry in ClinVar:

ClinVar aggregate classification (germline): Uncertain significance (1 of 4 stars; one submission).

Conditions:
Inborn genetic diseases. Identifiers: MedGen C0950123, MeSH D030342.

Submission:

Ambry Genetics
Classification: Uncertain significance for Inborn genetic diseases. Last evaluated: 2023-11-30. Review status: criteria provided, single submitter. Criteria: Ambry Variant Classification Scheme 2023. Collection method: clinical testing. Allele origin: germline.
Comment: The c.870_872delCTA (p.Y291del) alteration is located in exon 4 (coding exon 3) of the GATA3 gene. This alteration consists of an in-frame deletion of 3 nucleotides between nucleotide positions c.870 and c.872, resulting in the deletion of <NA> residues. Based on insufficient or conflicting evidence, the clinical significance of this alteration remains unclear.

NM_001002295.2(GATA3):c.870_872del (p.Tyr291del)

Gene: GATA3 (GATA binding protein 3; plus strand). Cytogenetic location: 10p14.
Variant type: Deletion.
Coding change: c.870_872del on transcript NM_001002295.2 (MANE Select); coding-DNA positions 870 to 872, 3 bases deleted (CTA; older notation c.870_872delCTA).
Protein change: p.Tyr291del; deletes tyrosine 291.
Molecular consequence: inframe deletion.
Genome position (GRCh38, 1-based): chr10:8,064,084-8,064,086, CTA deleted. VCF-style (leftmost placement, unchanged base first): chr10-8064083-TCTA-T. GRCh37 (hg19) VCF-style: chr10-8106046-TCTA-T.
Other names: c.867_869del, p.Tyr290del (NM_002051.3); short protein forms Y291del, Y290del.
Identifiers: ClinVar variation 3098752 (VCV003098752.1), dbSNP rs2491485470, ClinGen allele CA2825001699.